The following is an entry in ClinVar:

ClinVar aggregate classification (germline): Likely benign. Review status: criteria provided, multiple submitters, no conflicts (2 of 4 stars). 8 submissions from 8 submitters: Likely benign (7). 1 of the submissions does not count toward it. Last evaluated 2026-05-12.

Conditions:
COL11A2-related disorder. Also called: COL11A2-related condition; COL11A2-related disorders.
Connective tissue disorder. Also called: Connective tissue disease. Identifiers: MedGen C0009782, MONDO:0003900.

Allele frequency attached by ClinVar (database versions not stated): ESP Exome Variant Server 0.00015.
gnomAD v4.1: 67 of 1,367,210 alleles (0.0049%); highest among the groups gnomAD compares: Middle Eastern, 0.021%; no homozygotes.

Submissions (8):

Women's Health and Genetics/Laboratory Corporation of America, LabCorp
Classification: Likely benign. Last evaluated: 2026-05-12. Review status: criteria provided, single submitter. Criteria: LabCorp Variant Classification Summary - May 2015. Collection method: clinical testing. Allele origin: germline.

Labcorp Genetics (formerly Invitae), Labcorp
Classification: Likely benign. Last evaluated: 2026-01-26. Review status: criteria provided, single submitter. Criteria: Invitae Variant Classification Sherloc (09022015). Collection method: clinical testing. Allele origin: germline.

CeGaT Center for Human Genetics Tuebingen
Classification: Likely benign. Last evaluated: 2026-01-01. Review status: criteria provided, single submitter. Criteria: CeGaT Center For Human Genetics Tuebingen Variant Classification Criteria Version 2. Collection method: clinical testing. Allele origin: germline. Affected: yes. Observed: 1 variant allele.
Comment: COL11A2: BP4, BP7

Blueprint Genetics
Classification: Likely benign. Last evaluated: 2024-08-02. Review status: criteria provided, single submitter. Criteria: ACMG Guidelines, 2015. Collection method: clinical testing. Allele origin: germline.

GeneDx
Classification: Likely benign. Last evaluated: 2021-04-16. Review status: criteria provided, single submitter. Criteria: GeneDx Variant Classification Process June 2021. Collection method: clinical testing. Allele origin: germline. Affected: yes.

Center for Human Genetics, Inc
Classification: Likely benign for Connective tissue disorder. Last evaluated: 2018-06-01. Review status: criteria provided, single submitter. Criteria: ACMG Guidelines, 2015. Collection method: clinical testing. Allele origin: germline. Affected: yes.

Laboratory for Molecular Medicine, Mass General Brigham Personalized Medicine
Classification: Likely benign. Last evaluated: 2013-04-04. Review status: criteria provided, single submitter. Criteria: LMM Criteria. Collection method: clinical testing. Allele origin: germline. Observed: 1 variant allele.
Comment: p.Pro322Pro in exon 8 of COL11A2: This variant is not expected to have clinical significance because it does not alter an amino acid residue and is not located within the splice consensus sequence. It has been identified in 10/65208 of Euro pean chromosomes by the Exome Aggregation Consortium (ExAC; dbSNP rs14752775).

PreventionGenetics, part of Exact Sciences
Classification: Likely benign for COL11A2-related condition. Last evaluated: 2019-07-22. Review status: no assertion criteria provided. Collection method: clinical testing. Allele origin: germline. Not counted in ClinVar's aggregate classification.
Comment: This variant is classified as likely benign based on ACMG/AMP sequence variant interpretation guidelines (Richards et al. 2015 PMID: 25741868, with internal and published modifications).

NM_080680.3(COL11A2):c.966C>A (p.Pro322=)

Gene: COL11A2 (collagen type XI alpha 2 chain; minus strand). Cytogenetic location: 6p21.32.
Variant type: single nucleotide variant.
Coding change: c.966C>A on transcript NM_080680.3 (MANE Select); coding-DNA position 966, C replaced by A.
Protein change: p.Pro322=; no amino-acid change (proline 322 retained).
Molecular consequence: synonymous variant. On other transcripts: intron variant (2).
Genome position (GRCh38, 1-based): chr6:33,184,298, G>T on the plus strand (C>A on the coding strand, the complement: COL11A2 is on the minus strand). VCF-style: chr6-33184298-G-T. GRCh37 (hg19) VCF-style: chr6-33152075-G-T.
Other names: c.798+2329C>A (NM_080679.3); c.861+694C>A (NM_080681.3).
Identifiers: ClinVar variation 227273 (VCV000227273.21), dbSNP rs147527758, ClinGen allele CA3751502.